The following is an entry in ClinVar:

NM_024422.6(DSC2):c.2432del (p.Gly811fs)

Gene: DSC2 (desmocollin 2; minus strand). Cytogenetic location: 18q12.1.
Variant type: Deletion.
Coding change: c.2432del on transcript NM_024422.6 (MANE Select); coding-DNA position 2432, one base deleted (G; older notation c.2432delG).
Protein change: p.Gly811fs; shifts the reading frame from glycine 811.
Molecular consequence: frameshift variant.
Genome position (GRCh38, 1-based): chr18:31,068,970, C deleted on the plus strand (G on the coding strand, the reverse complement: DSC2 is on the minus strand); the first of 4 consecutive C bases (chr18:31,068,970-31,068,973); deleting any one gives the same sequence. VCF-style (leftmost placement, unchanged base first): chr18-31068969-TC-T. GRCh37 (hg19) VCF-style: chr18-28648935-TC-T.
Other names: c.2003del, p.Gly668fs (NM_001406506.1, NM_001406507.1); c.2432del, p.Gly811fs (NM_004949.5); short protein forms G811fs, G668fs.
Identifiers: ClinVar variation 2565084 (VCV002565084.3), dbSNP rs2510937784, ClinGen allele CA913189075.

ClinVar aggregate classification (germline): Conflicting classifications of pathogenicity. Review status: criteria provided, conflicting classifications (1 of 4 stars). 2 submissions from 2 submitters: Pathogenic (1); Uncertain significance (1). Last evaluated 2024-11-18.

Conditions:
Cardiomyopathy (CMYO). Also called: Cardiomyopathies. Identifiers: Orphanet 167848, MedGen C0878544, MONDO:0004994, HP:0001638. Inheritance: Various modes of inheritance.
Cardiovascular phenotype. Identifiers: MedGen CN230736.

Submissions (2):

Color Diagnostics, LLC DBA Color Health
Classification: Uncertain significance for Cardiomyopathy. Last evaluated: 2024-11-18. Review status: criteria provided, single submitter. Criteria: ACMG Guidelines, 2015. Collection method: clinical testing. Allele origin: germline.
Comment: This variant deletes 1 nucleotide in exon 15/16 of the DSC2 gene, creating a frameshift and premature translation stop signal. This variant is expected to result in an absent or non-functional protein product. To our knowledge, this variant has not been reported in individuals affected with DSC2-related disorders in the literature. This variant has not been identified in the general population by the Genome Aggregation Database (gnomAD). The available evidence is insufficient to determine the role of this variant in disease conclusively. Therefore, this variant is classified as a Variant of Uncertain Significance.

Ambry Genetics
Classification: Pathogenic for Cardiovascular phenotype. Last evaluated: 2023-05-22. Review status: criteria provided, single submitter. Criteria: Ambry Variant Classification Scheme 2023. Collection method: clinical testing. Allele origin: germline.
Comment: The c.2432delG pathogenic mutation, located in coding exon 15 of the DSC2 gene, results from a deletion of one nucleotide at nucleotide position 2432, causing a translational frameshift with a predicted alternate stop codon (p.G811Efs*45). This variant is considered to be rare based on population cohorts in the Genome Aggregation Database (gnomAD). This alteration is expected to result in loss of function by premature protein truncation or nonsense-mediated mRNA decay. As such, this alteration is interpreted as a disease-causing mutation.